The following is an entry in ClinVar:

ClinVar aggregate classification (germline): Uncertain significance. Review status: criteria provided, multiple submitters, no conflicts (2 of 4 stars). 2 submissions from 2 submitters: Uncertain significance (2). Last evaluated 2025-12-22.

Conditions:
Hereditary cancer-predisposing syndrome. Also called: Tumor predisposition; Hereditary neoplastic syndrome; Neoplastic Syndromes, Hereditary; Hereditary Cancer Syndrome. Identifiers: Orphanet 140162, MedGen C0027672, MeSH D009386, MONDO:0015356.

gnomAD v4.1: 1 of 1,609,872 alleles (0.000062%); highest among the groups gnomAD compares: Admixed American, 0.0017%; no homozygotes.

Submissions (2):

Labcorp Genetics (formerly Invitae), Labcorp
Classification: Uncertain significance. Last evaluated: 2025-12-22. Review status: criteria provided, single submitter. Criteria: Invitae Variant Classification Sherloc (09022015). Collection method: clinical testing. Allele origin: germline.
Comment: This sequence change replaces aspartic acid, which is acidic and polar, with histidine, which is basic and polar, at codon 1752 of the POLE protein (p.Asp1752His). This variant is present in population databases (no rsID available, gnomAD 0.003%). This variant has not been reported in the literature in individuals affected with POLE-related conditions. ClinVar contains an entry for this variant (Variation ID: 858050). Invitae Evidence Modeling of protein sequence and biophysical properties (such as structural, functional, and spatial information, amino acid conservation, physicochemical variation, residue mobility, and thermodynamic stability) indicates that this missense variant is not expected to disrupt POLE protein function with a negative predictive value of 80%. In summary, the available evidence is currently insufficient to determine the role of this variant in disease. Therefore, it has been classified as a Variant of Uncertain Significance.

Ambry Genetics
Classification: Uncertain significance for Hereditary cancer-predisposing syndrome. Last evaluated: 2025-07-25. Review status: criteria provided, single submitter. Criteria: Ambry Variant Classification Scheme 2023. Collection method: clinical testing. Allele origin: germline.
Comment: The p.D1752H variant (also known as c.5254G>C), located in coding exon 39 of the POLE gene, results from a G to C substitution at nucleotide position 5254. The aspartic acid at codon 1752 is replaced by histidine, an amino acid with similar properties. This amino acid position is conserved. In addition, this alteration is predicted to be tolerated by in silico analysis. Since supporting evidence is limited at this time, the clinical significance of this alteration remains unclear.

NM_006231.4(POLE):c.5254G>C (p.Asp1752His)

Gene: POLE (DNA polymerase epsilon, catalytic subunit; minus strand). Cytogenetic location: 12q24.33.
Variant type: single nucleotide variant.
Coding change: c.5254G>C on transcript NM_006231.4 (MANE Select); coding-DNA position 5254, G replaced by C.
Protein change: p.Asp1752His; replaces aspartic acid 1752 with histidine.
Molecular consequence: missense variant.
Genome position (GRCh38, 1-based): chr12:132,641,771, C>G on the plus strand (G>C on the coding strand, the complement: POLE is on the minus strand). VCF-style: chr12-132641771-C-G. GRCh37 (hg19) VCF-style: chr12-133218357-C-G.
Other names: c.5254G>C (NM_006231.2); short protein forms D1752H.
Identifiers: ClinVar variation 858050 (VCV000858050.10), dbSNP rs1335665224, ClinGen allele CA387376310.